The following is an entry in ClinVar:

NM_001243279.3(ACSF3):c.198C>G (p.His66Gln)

Gene: ACSF3 (acyl-CoA synthetase family member 3; plus strand). Cytogenetic location: 16q24.3.
Variant type: single nucleotide variant.
Coding change: c.198C>G on transcript NM_001243279.3 (MANE Select); coding-DNA position 198, C replaced by G.
Protein change: p.His66Gln; replaces histidine 66 with glutamine.
Molecular consequence: missense variant. On other transcripts: non-coding transcript variant (3), intron variant (1).
Genome position (GRCh38, 1-based): chr16:89,100,879, C>G. VCF-style: chr16-89100879-C-G. GRCh37 (hg19) VCF-style: chr16-89167287-C-G.
Other names: c.198C>G, p.His66Gln (NM_001127214.4, NM_174917.5); c.-129-1725C>G (NM_001284316.2); short protein forms H66Q.
Identifiers: ClinVar variation 2171765 (VCV002171765.1), dbSNP rs1975216832, ClinGen allele CA397133615.
Genomic context (GRCh38, chr16:89,100,879, plus strand): 5'-GTTCACCCGTGCCCTGGCCTTTGGGGACAGAATCGCCCTGGTTGACCAGCACGGCCGCCA[C>G]ACGTACAGGGAGCTTTATTCCCGCAGCCTTCGCCTGTCCCAGGAGATCTGCAGGCTCTGC-3'
Protein context (NP_001230208.1, residues 56-76): RIALVDQHGR[His66Gln]TYRELYSRSL

ClinVar aggregate classification (germline): Uncertain significance (1 of 4 stars; one submission).

Conditions:
Combined malonic and methylmalonic acidemia. Identifiers: Orphanet 289504, MedGen C3280314, MONDO:0013661, OMIM 614265.

Allele frequency attached by ClinVar (database versions not stated): TOPMed below 0.00001.

Submission:

Labcorp Genetics (formerly Invitae), Labcorp
Classification: Uncertain significance for Combined malonic and methylmalonic acidemia. Last evaluated: 2021-08-30. Review status: criteria provided, single submitter. Criteria: Invitae Variant Classification Sherloc (09022015). Collection method: clinical testing. Allele origin: germline.
Comment: This sequence change replaces histidine with glutamine at codon 66 of the ACSF3 protein (p.His66Gln). The histidine residue is moderately conserved and there is a small physicochemical difference between histidine and glutamine. This variant is not present in population databases (ExAC no frequency). This variant has not been reported in the literature in individuals affected with ACSF3-related conditions. Algorithms developed to predict the effect of missense changes on protein structure and function are either unavailable or do not agree on the potential impact of this missense change (SIFT: "Tolerated"; PolyPhen-2: "Possibly Damaging"; Align-GVGD: "Class C0"). In summary, the available evidence is currently insufficient to determine the role of this variant in disease. Therefore, it has been classified as a Variant of Uncertain Significance.